The following is an entry in ClinVar:

NM_000428.3(LTBP2):c.3415T>C (p.Cys1139Arg)

Gene: LTBP2 (latent transforming growth factor beta binding protein 2; minus strand). Cytogenetic location: 14q24.3.
Variant type: single nucleotide variant.
Coding change: c.3415T>C on transcript NM_000428.3 (MANE Select); coding-DNA position 3415, T replaced by C.
Protein change: p.Cys1139Arg; replaces cysteine 1139 with arginine.
Molecular consequence: missense variant.
Genome position (GRCh38, 1-based): chr14:74,508,941, A>G on the plus strand (T>C on the coding strand, the complement: LTBP2 is on the minus strand). VCF-style: chr14-74508941-A-G. GRCh37 (hg19) VCF-style: chr14-74975644-A-G.
Other names: short protein forms C1139R.
Identifiers: ClinVar variation 4750763 (VCV004750763.1).
Genomic context (GRCh38, chr14:74,508,941, plus strand): 5'-GGTAGGAGCCCACAGTGTTCTTGCACTCGCCTCCCAGGCAGCTGCTCTGGGGGTCTTCAC[A>G]TTCATCCACATCTGCAGGGCCACACAGGGGAGGAAGACAGCCGATGGCAGCACCTCCCAA-3'
Protein context (NP_000419.1, residues 1129-1149): LGDSCEDVDE[Cys1139Arg]EDPQSSCLGG

ClinVar aggregate classification (germline): Uncertain significance (1 of 4 stars; one submission).

Submission:

Labcorp Genetics (formerly Invitae), Labcorp
Classification: Uncertain significance. Last evaluated: 2025-12-06. Review status: criteria provided, single submitter. Criteria: Invitae Variant Classification Sherloc (09022015). Collection method: clinical testing. Allele origin: germline.
Comment: This sequence change replaces cysteine, which is neutral and slightly polar, with arginine, which is basic and polar, at codon 1139 of the LTBP2 protein (p.Cys1139Arg). This variant is present in population databases (rs756191133, gnomAD 0.006%). This variant has not been reported in the literature in individuals affected with LTBP2-related conditions. An algorithm developed to predict the effect of missense changes on protein structure and function (PolyPhen-2) suggests that this variant is likely to be disruptive. In summary, the available evidence is currently insufficient to determine the role of this variant in disease. Therefore, it has been classified as a Variant of Uncertain Significance.